The following is an entry in ClinVar:

NM_001040716.2(PC):c.1876C>T (p.Arg626Trp)

Gene: PC (pyruvate carboxylase; minus strand). Cytogenetic location: 11q13.2.
Variant type: single nucleotide variant.
Coding change: c.1876C>T on transcript NM_001040716.2 (MANE Select); coding-DNA position 1876, C replaced by T.
Protein change: p.Arg626Trp; replaces arginine 626 with tryptophan.
Molecular consequence: missense variant.
Genome position (GRCh38, 1-based): chr11:66,851,896, G>A on the plus strand (C>T on the coding strand, the complement: PC is on the minus strand). VCF-style: chr11-66851896-G-A. GRCh37 (hg19) VCF-style: chr11-66619367-G-A.
Other names: c.1876C>T, p.Arg626Trp (NM_000920.4, NM_022172.3); short protein forms R626W.
Identifiers: ClinVar variation 1315509 (VCV001315509.4), dbSNP rs1591122325, ClinGen allele CA381494588.
Genomic context (GRCh38, chr11:66,851,896, plus strand): 5'-CCCCCCGCAGCAGCATCTGGAAAGGGATGTTGGGGATGAGCTCCCGGAGCTCCTGCAGCC[G>A]CCGCCAGGGGCACTCATACAGGAAGCGCATGGCGACGTCAAACGTGGCTCCTGCACAGGA-3'
Protein context (NP_001035806.1, residues 616-636): MRFLYECPWR[Arg626Trp]LQELRELIPN

ClinVar aggregate classification (germline): Conflicting classifications of pathogenicity. Review status: criteria provided, conflicting classifications (1 of 4 stars). 2 submissions from 2 submitters: Likely pathogenic (1); Uncertain significance (1). Last evaluated 2021-10-28.

Conditions:
Pyruvate carboxylase deficiency. Also called: LEIGH NECROTIZING ENCEPHALOPATHY DUE TO PYRUVATE CARBOXYLASE DEFICIENCY; LEIGH SYNDROME DUE TO PYRUVATE CARBOXYLASE DEFICIENCY; ATAXIA WITH LACTIC ACIDOSIS II; PC DEFICIENCY; Pyruvate Carboxylase Deficiency Disease. Identifiers: Orphanet 3008, MedGen C0034341, MONDO:0009949, OMIM 266150.

gnomAD v4.1: 3 of 1,614,036 alleles (0.00019%); highest among the groups gnomAD compares: Non-Finnish European, 0.00025%; no homozygotes.

Submissions (2):

Laboratory of Inherited Metabolic Diseases, Research centre for medical genetics
Classification: Likely pathogenic for Pyruvate carboxylase deficiency. Last evaluated: 2021-10-28. Review status: criteria provided, single submitter. Criteria: ACMG Guidelines, 2015. Collection method: clinical testing. Allele origin: inherited. Affected: yes. Observed: 1 variant allele, 1 compound heterozygote.

Labcorp Genetics (formerly Invitae), Labcorp
Classification: Uncertain significance for Pyruvate carboxylase deficiency. Last evaluated: 2021-07-21. Review status: criteria provided, single submitter. Criteria: Invitae Variant Classification Sherloc (09022015). Collection method: clinical testing. Allele origin: germline.
Comment: This sequence change replaces arginine with tryptophan at codon 626 of the PC protein (p.Arg626Trp). The arginine residue is highly conserved and there is a moderate physicochemical difference between arginine and tryptophan. This variant is not present in population databases (ExAC no frequency). This variant has not been reported in the literature in individuals with PC-related conditions. Algorithms developed to predict the effect of missense changes on protein structure and function are either unavailable or do not agree on the potential impact of this missense change (SIFT: "Deleterious"; PolyPhen-2: "Probably Damaging"; Align-GVGD: "Class C15"). In summary, the available evidence is currently insufficient to determine the role of this variant in disease. Therefore, it has been classified as a Variant of Uncertain Significance.